The following is an entry in ClinVar:

NM_000443.4(ABCB4):c.302C>T (p.Ser101Leu)

Gene: ABCB4 (ATP binding cassette subfamily B member 4; minus strand). Cytogenetic location: 7q21.12.
Variant type: single nucleotide variant.
Coding change: c.302C>T on transcript NM_000443.4 (MANE Select); coding-DNA position 302, C replaced by T.
Protein change: p.Ser101Leu; replaces serine 101 with leucine.
Molecular consequence: missense variant.
Genome position (GRCh38, 1-based): chr7:87,454,577, G>A on the plus strand (C>T on the coding strand, the complement: ABCB4 is on the minus strand). VCF-style: chr7-87454577-G-A. GRCh37 (hg19) VCF-style: chr7-87083893-G-A.
Other names: c.302C>T, p.Ser101Leu (NM_018849.3, NM_018850.3); c.302C>T (NM_000443.3); short protein forms S101L.
Identifiers: ClinVar variation 598359 (VCV000598359.7), dbSNP rs182989205, ClinGen allele CA4327572.

ClinVar aggregate classification (germline): Uncertain significance. Review status: criteria provided, multiple submitters, no conflicts (2 of 4 stars). 3 submissions from 3 submitters: Uncertain significance (2). 1 of the submissions does not count toward it. Last evaluated 2024-12-13.

Conditions:
Inborn genetic diseases. Identifiers: MedGen C0950123, MeSH D030342.
ABCB4-related disorder. Also called: ABCB4-related disorders; ABCB4-related condition.

Allele frequency attached by ClinVar (database versions not stated): gnomAD exomes 0.00002 and 0.00004; ExAC 0.00004; gnomAD 0.00005; TOPMed 0.00005; 1000 Genomes Project 30x 0.00016; 1000 Genomes Project 0.00020.
gnomAD v4.1: 34 of 1,610,586 alleles (0.0021%); highest among the groups gnomAD compares: East Asian, 0.016%; no homozygotes.

Submissions (3):

Ambry Genetics
Classification: Uncertain significance for Inborn genetic diseases. Last evaluated: 2024-12-13. Review status: criteria provided, single submitter. Criteria: Ambry Variant Classification Scheme 2023. Collection method: clinical testing. Allele origin: germline.

Eurofins Ntd Llc (ga)
Classification: Uncertain significance. Last evaluated: 2018-08-13. Review status: criteria provided, single submitter. Criteria: EGL ClinVar v180209 classification definitions. Collection method: clinical testing. Allele origin: germline. Observed: 1 variant allele, 1 homozygote.

PreventionGenetics, part of Exact Sciences
Classification: Uncertain significance for ABCB4-related condition. Last evaluated: 2024-04-11. Review status: no assertion criteria provided. Collection method: clinical testing. Allele origin: germline. Not counted in ClinVar's aggregate classification.
Comment: The ABCB4 c.302C>T variant is predicted to result in the amino acid substitution p.Ser101Leu. To our knowledge, this variant has not been reported in the literature. This variant is reported in 0.0085% of alleles in individuals of Latino descent in gnomAD. At this time, the clinical significance of this variant is uncertain due to the absence of conclusive functional and genetic evidence.